The following is an entry in ClinVar:

ClinVar aggregate classification (germline): Uncertain significance (1 of 4 stars; one submission).

Conditions:
LAMA2-related muscular dystrophy (LAMA2-RD). Also called: Laminin alpha 2-related dystrophy. Identifiers: MedGen C5679788, MONDO:0100228.

Allele frequency attached by ClinVar (database versions not stated): gnomAD exomes below 0.00001; gnomAD 0.00001; TOPMed 0.00001.
gnomAD v4.1: 20 of 1,612,732 alleles (0.0012%); highest among the groups gnomAD compares: Non-Finnish European, 0.0017%; no homozygotes.

Submission:

Labcorp Genetics (formerly Invitae), Labcorp
Classification: Uncertain significance for LAMA2-related muscular dystrophy. Last evaluated: 2021-10-19. Review status: criteria provided, single submitter. Criteria: Invitae Variant Classification Sherloc (09022015). Collection method: clinical testing. Allele origin: germline.
Comment: This sequence change replaces alanine with aspartic acid at codon 2752 of the LAMA2 protein (p.Ala2752Asp). The alanine residue is moderately conserved and there is a moderate physicochemical difference between alanine and aspartic acid. This variant is not present in population databases (ExAC no frequency). This variant has not been reported in the literature in individuals affected with LAMA2-related conditions. Advanced modeling of protein sequence and biophysical properties (such as structural, functional, and spatial information, amino acid conservation, physicochemical variation, residue mobility, and thermodynamic stability) performed at Invitae indicates that this missense variant is not expected to disrupt LAMA2 protein function. In summary, the available evidence is currently insufficient to determine the role of this variant in disease. Therefore, it has been classified as a Variant of Uncertain Significance.

NM_000426.4(LAMA2):c.8255C>A (p.Ala2752Asp)

Genes: LAMA2 (laminin subunit alpha 2; plus strand), LOC126859784 (CDK7 strongly-dependent group 2 enhancer GRCh37_chr6:129822854-129824053; plus strand). Cytogenetic location: 6q22.33.
Variant type: single nucleotide variant.
Coding change: c.8255C>A on transcript NM_000426.4 (MANE Select); coding-DNA position 8255, C replaced by A.
Protein change: p.Ala2752Asp; replaces alanine 2752 with aspartic acid.
Molecular consequence: missense variant.
Genome position (GRCh38, 1-based): chr6:129,502,669, C>A. VCF-style: chr6-129502669-C-A. GRCh37 (hg19) VCF-style: chr6-129823814-C-A.
Other names: c.8243C>A, p.Ala2748Asp (NM_001079823.2); short protein forms A2752D, A2748D.
Identifiers: ClinVar variation 1494009 (VCV001494009.3), dbSNP rs896593112, ClinGen allele CA146923574.